The following is an entry in ClinVar:

NM_033305.3(VPS13A):c.5471del (p.Tyr1824fs)

Gene: VPS13A (vacuolar protein sorting 13 homolog A; plus strand). Cytogenetic location: 9q21.2.
Variant type: Deletion.
Coding change: c.5471del on transcript NM_033305.3 (MANE Select); coding-DNA position 5471, one base deleted (A; older notation c.5471delA).
Protein change: p.Tyr1824fs; shifts the reading frame from tyrosine 1824.
Molecular consequence: frameshift variant.
Genome position (GRCh38, 1-based): chr9:77,321,224, A deleted. VCF-style (leftmost placement, unchanged base first): chr9-77321223-TA-T. GRCh37 (hg19) VCF-style: chr9-79936139-TA-T.
Other names: c.5354del, p.Tyr1785fs (NM_001018037.2); c.5471del, p.Tyr1824fs (NM_001018038.3, NM_015186.4); short protein forms Y1785fs, Y1824fs.
Identifiers: ClinVar variation 4816407 (VCV004816407.2).

ClinVar aggregate classification (germline): Pathogenic/Likely pathogenic. Review status: criteria provided, multiple submitters, no conflicts (2 of 4 stars). 2 submissions from 2 submitters: Pathogenic (1); Likely pathogenic (1). Last evaluated 2025-03-01.

Conditions:
VPS13A-related neurodegenerative disease. Also called: ACANTHOCYTOSIS WITH NEUROLOGIC DISORDER; LEVINE-CRITCHLEY SYNDROME; Choreoacanthocytosis; Chorea-acanthocytosis; VPS13A Disease; Choreaacanthocytosis. Identifiers: Orphanet 2388, MedGen C0393576, MONDO:0008695, OMIM 200150.

Submissions (2):

Myriad Genetics, Inc.
Classification: Pathogenic for VPS13A-related neurodegenerative disease. Last evaluated: 2025-03-01. Review status: criteria provided, single submitter. Criteria: Myriad Autosomal Dominant, Autosomal Recessive and X-Linked Classification Criteria (2023). Collection method: clinical testing. Allele origin: unknown.
Comment: NM_033305.2(VPS13A):c.5471delA(Y1824Sfs*18) is expected to be pathogenic in the context of VPS13A disease. This variant is predicted to lead to an abnormal or absent protein product due to the creation of a premature termination codon in VPS13A, a gene where loss-of-function variants are known to be pathogenic. Please note: this variant was assessed in the context of healthy population screening.

Natera, Inc.
Classification: Likely pathogenic for Choreaacanthocytosis. Last evaluated: 2024-10-30. Review status: criteria provided, single submitter. Criteria: Natera Variant Classification Schema (03/2026). Collection method: clinical testing. Allele origin: germline.
Comment: The c.5471del variant in VPS13A is a frameshift variant predicted to shift the reading frame beginning at codon 1824 and leads to a stop codon 18 codons downstream. This variant is expected to result in nonsense mediated decay, truncation, or a dysfunctional protein product. This variant is rare in the general population with a frequency below the threshold expected for the associated phenotype(s). Given the available evidence, this variant is classified as Likely Pathogenic.